The following is an entry in ClinVar:

NM_007294.4(BRCA1):c.1892dup (p.Ser632fs)

Gene: BRCA1 (BRCA1 DNA repair associated; minus strand). Cytogenetic location: 17q21.31.
Variant type: Duplication.
Coding change: c.1892dup on transcript NM_007294.4 (MANE Select); coding-DNA position 1892, one base duplicated (T; older notation c.1892dupT).
Protein change: p.Ser632fs; shifts the reading frame from serine 632.
Molecular consequence: frameshift variant. On other transcripts: intron variant (137).
Genome position (GRCh38, 1-based): chr17:43,093,639, A duplicated on the plus strand (T on the coding strand, the reverse complement: BRCA1 is on the minus strand). VCF-style (leftmost placement, unchanged base first): chr17-43093638-T-TA. GRCh37 (hg19) VCF-style: chr17-41245655-T-TA.
Other names: 2011insT; c.1892dupT (NM_007294.3); c.1679dup, p.Ser561fs (NM_001407896.1, NM_001407897.1, NM_001407898.1 and 9 more transcripts); c.1682dup, p.Ser562fs (NM_001407900.1, NM_001407902.1, NM_001407904.1 and 13 more transcripts); c.1769dup, p.Ser591fs (NM_001407919.1, NM_001407937.1, NM_001407938.1 and 19 more transcripts); c.1628dup, p.Ser544fs (NM_001407920.1, NM_001407921.1, NM_001407922.1 and 9 more transcripts); c.1625dup, p.Ser543fs (NM_001407930.1, NM_001407931.1, NM_001407932.1 and 2 more transcripts); c.1766dup, p.Ser590fs (NM_001407940.1, NM_001407941.1, NM_001407649.1 and 11 more transcripts); and 42 more; short protein forms S632fs, S585fs, S504fs, S520fs, S565fs, S591fs, S605fs, S631fs.
Identifiers: ClinVar variation 54383 (VCV000054383.20), dbSNP rs80357932, ClinGen allele CA001230.

ClinVar aggregate classification (germline): Pathogenic. Review status: reviewed by expert panel (3 of 4 stars). 7 submissions from 7 submitters: Pathogenic (1). 6 of the submissions do not count toward it. Last evaluated 2016-09-08.

Conditions:
Hereditary cancer-predisposing syndrome. Also called: Tumor predisposition; Neoplastic Syndromes, Hereditary; Hereditary Cancer Syndrome; Hereditary neoplastic syndrome. Identifiers: Orphanet 140162, MedGen C0027672, MeSH D009386, MONDO:0015356.
Hereditary breast ovarian cancer syndrome. Also called: Hereditary breast and ovarian cancer syndrome (HBOC); Hereditary breast and ovarian cancer syndrome; Hereditary breast and ovarian cancer; Hereditary breast and/or ovarian cancer syndrome; Breast and ovarian cancer; BRCA1- and BRCA2-Associated Hereditary Breast and Ovarian Cancer. Identifiers: Orphanet 145, MedGen C0677776, MeSH D061325, MONDO:0003582. Disease mechanism: loss of function.
Breast-ovarian cancer, familial, susceptibility to, 1 (BROVCA1). Also called: OVARIAN CANCER, SUSCEPTIBILITY TO; BRCA1 Hereditary Breast and Ovarian Cancer. Identifiers: Orphanet 145, MedGen C2676676, MONDO:0011450, OMIM 604370. Disease mechanism: loss of function.

Allele frequency attached by ClinVar (database versions not stated): gnomAD exomes below 0.00001.

Submissions (7):

Evidence-based Network for the Interpretation of Germline Mutant Alleles (ENIGMA)
Classification: Pathogenic for Breast-ovarian cancer, familial, susceptibility to, 1. Last evaluated: 2016-09-08. Review status: reviewed by expert panel. Criteria: ENIGMA BRCA1/2 Classification Criteria (2015). Collection method: curation. Allele origin: germline.
Comment: Variant allele predicted to encode a truncated non-functional protein.

Labcorp Genetics (formerly Invitae), Labcorp
Classification: Pathogenic for Hereditary breast ovarian cancer syndrome. Last evaluated: 2025-08-06. Review status: criteria provided, single submitter. Criteria: Invitae Variant Classification Sherloc (09022015). Collection method: clinical testing. Allele origin: germline. Not counted in ClinVar's aggregate classification.
Comment: This sequence change creates a premature translational stop signal (p.Ser632Lysfs*4) in the BRCA1 gene. It is expected to result in an absent or disrupted protein product. Loss-of-function variants in BRCA1 are known to be pathogenic (PMID: 20104584). This variant is not present in population databases (gnomAD no frequency). This premature translational stop signal has been observed in individual(s) with a personal and/or family history of breast and ovarian cancer syndrome (PMID: 10866029, 19329713, 22762150, 29446198, 30103829). This variant is also known as 2011insT. ClinVar contains an entry for this variant (Variation ID: 54383). For these reasons, this variant has been classified as Pathogenic.

Ambry Genetics
Classification: Pathogenic for Hereditary cancer-predisposing syndrome. Last evaluated: 2022-12-16. Review status: criteria provided, single submitter. Criteria: Ambry Variant Classification Scheme 2023. Collection method: clinical testing. Allele origin: germline. Not counted in ClinVar's aggregate classification.
Comment: The c.1892dupT pathogenic mutation, located in coding exon 9 of the BRCA1 gene, results from a duplication of T at nucleotide position 1892, causing a translational frameshift with a predicted alternate stop codon (p.S632Kfs*4). This mutation has been reported in multiple hereditary breast and/or ovarian cancer families in the literature (Peyrat JP et al. Eur. J. Cancer Prev. 1998 Feb;7 Suppl 1:S7-12; Al-Mulla F et al. J. Clin. Pathol. 2009 Apr;62:350-6; Rebbeck TR et al. Hum. Mutat. 2018 May;39:593-620). Of note, this alteration is also designated as 2011insT in published literature. In addition to the clinical data presented in the literature, this alteration is expected to result in loss of function by premature protein truncation or nonsense-mediated mRNA decay. As such, this alteration is interpreted as a disease-causing mutation.

GeneDx
Classification: Pathogenic. Last evaluated: 2020-11-10. Review status: criteria provided, single submitter. Criteria: GeneDx Variant Classification Process June 2021. Collection method: clinical testing. Allele origin: germline. Affected: yes. Not counted in ClinVar's aggregate classification.
Comment: Frameshift variant predicted to result in protein truncation or nonsense mediated decay in a gene for which loss-of-function is a known mechanism of disease; Observed in multiple individuals and families with Hereditary Breast and Ovarian Cancer (Peyrat 1998, Al-Mulla 2009, Cardoso 2018, Rebbeck 2018); Not observed in large population cohorts (gnomAD); Truncating variants in this gene are considered pathogenic by a well-established clinical consortium and/or database; Also known as c.2011dupT; This variant is associated with the following publications: (PMID: 30103829, 10866029, 29446198, 19329713)

Quest Diagnostics Nichols Institute San Juan Capistrano
Classification: Pathogenic. Last evaluated: 2019-05-21. Review status: criteria provided, single submitter. Criteria: Quest Diagnostics criteria. Collection method: clinical testing. Allele origin: germline. Not counted in ClinVar's aggregate classification.
Comment: The variant results in a shift of the reading frame, and is therefore predicted to result in the loss of a functional protein. Found in at least one symptomatic patient in literature, and not found in general population data.

Consortium of Investigators of Modifiers of BRCA1/2 (CIMBA), c/o University of Cambridge
Classification: Pathogenic for Breast-ovarian cancer, familial, susceptibility to, 1. Last evaluated: 2015-10-02. Review status: criteria provided, single submitter. Criteria: CIMBA Mutation Classification guidelines May 2016. Collection method: clinical testing. Allele origin: germline. Not counted in ClinVar's aggregate classification.

Breast Cancer Information Core (BIC) (BRCA1)
Classification: Pathogenic for Breast-ovarian cancer, familial 1. Last evaluated: 2002-05-29. Review status: no assertion criteria provided. Collection method: clinical testing. Allele origin: germline. Affected: yes. Observed: 3 variant alleles. Not counted in ClinVar's aggregate classification.

Literature cited by the submitters: PubMed 20104584 (cited by Labcorp Genetics (formerly Invitae), Labcorp); PubMed 10866029 (cited by 3 submitters); PubMed 19329713 (cited by Labcorp Genetics (formerly Invitae), Labcorp and Ambry Genetics); PubMed 22762150 (cited by Labcorp Genetics (formerly Invitae), Labcorp); PubMed 29446198 (cited by Labcorp Genetics (formerly Invitae), Labcorp and Ambry Genetics); PubMed 30103829 (cited by Labcorp Genetics (formerly Invitae), Labcorp).